The following is an entry in ClinVar:

NM_001330311.2(DVL1):c.817C>T (p.Arg273Cys)

Gene: DVL1 (dishevelled segment polarity protein 1; minus strand). Cytogenetic location: 1p36.33.
Variant type: single nucleotide variant.
Coding change: c.817C>T on transcript NM_001330311.2 (MANE Select); coding-DNA position 817, C replaced by T.
Protein change: p.Arg273Cys; replaces arginine 273 with cysteine.
Molecular consequence: missense variant.
Genome position (GRCh38, 1-based): chr1:1,340,130, G>A on the plus strand (C>T on the coding strand, the complement: DVL1 is on the minus strand). VCF-style: chr1-1340130-G-A. GRCh37 (hg19) VCF-style: chr1-1275510-G-A.
Other names: c.817C>T, p.Arg273Cys (NM_004421.3); c.817C>T (NM_004421.2); short protein forms R273C.
Identifiers: ClinVar variation 998757 (VCV000998757.15), dbSNP rs766988615, ClinGen allele CA520400.

ClinVar aggregate classification (germline): Conflicting classifications of pathogenicity. Review status: criteria provided, conflicting classifications (1 of 4 stars). 3 submissions from 3 submitters: Uncertain significance (1); Likely benign (2). Last evaluated 2025-11-01.

Conditions:
DVL1-related disorder. Also called: DVL1-related condition.

Allele frequency attached by ClinVar (database versions not stated): TOPMed 0.00001; ExAC 0.00002; gnomAD exomes 0.00002 and 0.00004; gnomAD 0.00005.
gnomAD v4.1: 59 of 1,613,580 alleles (0.0037%); highest among the groups gnomAD compares: African/African-American, 0.0053%; no homozygotes.

Submissions (3):

CeGaT Center for Human Genetics Tuebingen
Classification: Likely benign. Last evaluated: 2025-11-01. Review status: criteria provided, single submitter. Criteria: CeGaT Center For Human Genetics Tuebingen Variant Classification Criteria Version 2. Collection method: clinical testing. Allele origin: germline. Affected: yes. Observed: 1 variant allele.
Comment: DVL1: BS2

PreventionGenetics, part of Exact Sciences
Classification: Uncertain significance for DVL1-related condition. Last evaluated: 2025-01-28. Review status: criteria provided, single submitter. Criteria: ACMG Guidelines, 2015. Collection method: clinical testing. Allele origin: germline.
Comment: The DVL1 c.817C>T variant is predicted to result in the amino acid substitution p.Arg273Cys. To our knowledge, this variant has not been reported in the literature. This variant is reported in 0.0080% of alleles in individuals of African descent in gnomAD. Although we suspect that this variant may be benign, at this time, the clinical significance of this variant is uncertain due to the absence of conclusive functional and genetic evidence.

Labcorp Genetics (formerly Invitae), Labcorp
Classification: Likely benign. Last evaluated: 2022-09-07. Review status: criteria provided, single submitter. Criteria: Invitae Variant Classification Sherloc (09022015). Collection method: clinical testing. Allele origin: germline.